The following is an entry in ClinVar:

ClinVar aggregate classification (germline): Likely benign (1 of 4 stars; one submission).

Submission:

Women's Health and Genetics/Laboratory Corporation of America, LabCorp
Classification: Likely benign. Last evaluated: 2024-04-19. Review status: criteria provided, single submitter. Criteria: LabCorp Variant Classification Summary - May 2015. Collection method: clinical testing. Allele origin: germline.
Comment: Variant summary: CFTR c.3874-61_3874-48del14 is located at a position not widely known to affect splicing. Consensus agreement among computation tools predict no significant impact on normal splicing. However, these predictions have yet to be confirmed by functional studies. The variant was absent in 202336 control chromosomes. The available data on variant occurrences in the general population are insufficient to allow any conclusion about variant significance. To our knowledge, no occurrence of c.3874-61_3874-48del14 in individuals affected with Chronic Pancreatitis Risk and no experimental evidence demonstrating its impact on protein function have been reported. No submitters have cited clinical-significance assessments for this variant to ClinVar. Based on the evidence outlined above, the variant was classified as likely benign.

NM_000492.4(CFTR):c.3874-61_3874-48del

Gene: CFTR (CF transmembrane conductance regulator; plus strand). Cytogenetic location: 7q31.2.
Variant type: Deletion.
Coding change: c.3874-61_3874-48del on transcript NM_000492.4 (MANE Select); 61 bases into the intron before coding-DNA position 3874 through 48 bases into the intron before coding-DNA position 3874, 14 bases deleted (GGAAAAATAAAAAG).
Molecular consequence: intron variant.
Genome position (GRCh38, 1-based): chr7:117,652,781-117,652,794, GGAAAAATAAAAAG deleted; deleting any 14 consecutive bases within chr7:117,652,778-117,652,794 gives the same sequence; the c. name uses the placement nearest the transcript's 3' end. VCF-style (leftmost placement, unchanged base first): chr7-117652777-TAAGGGAAAAATAAA-T. GRCh37 (hg19) VCF-style: chr7-117292831-TAAGGGAAAAATAAA-T.
Other names: c.3874-61_3874-48del14 (NM_000492.4).
Identifiers: ClinVar variation 3251857 (VCV003251857.1), dbSNP rs752396903.
Genomic context (GRCh38, chr7:117,652,777, plus strand): 5'-AGTACATGGGTGTTTCTTATTTTAAAATAATTTTTCTACTTGAAATATTTTACAATACAA[TAAGGGAAAAATAAA>T]AAGTTATTTAAGTTATTCATACTTTCTTCTTCTTTTCTTTTTTGCTATAGAAAGTATTTA-3'